The following is an entry in ClinVar:

ClinVar aggregate classification (germline): Uncertain significance (1 of 4 stars; one submission).

Allele frequency attached by ClinVar (database versions not stated): TOPMed below 0.00001.

Submission:

GeneDx
Classification: Uncertain significance. Last evaluated: 2022-11-16. Review status: criteria provided, single submitter. Criteria: GeneDx Variant Classification Process June 2021. Collection method: clinical testing. Allele origin: germline. Affected: yes.
Comment: Not observed at significant frequency in large population cohorts (gnomAD); In silico analysis supports that this variant does not alter splicing; Has not been previously published as pathogenic or benign to our knowledge

NM_005120.3(MED12):c.1349-7T>G

Genes: MED12 (mediator complex subunit 12; plus strand), LOC126863275 (BRD4-independent group 4 enhancer GRCh37_chrX:70342400-70343599; plus strand). Cytogenetic location: Xq13.1.
Variant type: single nucleotide variant.
Coding change: c.1349-7T>G on transcript NM_005120.3 (MANE Select); 7 bases into the intron before coding-DNA position 1349, T replaced by G.
Molecular consequence: intron variant.
Genome position (GRCh38, 1-based): chrX:71,122,731, T>G. VCF-style: chrX-71122731-T-G. GRCh37 (hg19) VCF-style: chrX-70342581-T-G.
Identifiers: ClinVar variation 1803501 (VCV001803501.1), dbSNP rs2092292820, ClinGen allele CA2436352927.
Genomic context (GRCh38, chrX:71,122,731, plus strand): 5'-TGTAGATCTAAGAGCCAGAATGCACCGGGCCTCTGGTTCAGTCCCCTTTACCACTTTTCC[T>G]CCTTAGGCTTCACCATTGGACGGGTACTTCATACTTTGGAAGTGCTGGACAGCCATAGTT-3'